The following is an entry in ClinVar:

ClinVar aggregate classification (germline): Conflicting classifications of pathogenicity. Review status: criteria provided, conflicting classifications (1 of 4 stars). 2 submissions from 2 submitters: Uncertain significance (1); Likely benign (1). Last evaluated 2025-01-18.

Allele frequency attached by ClinVar (database versions not stated): gnomAD 0.00001; gnomAD exomes 0.00004; TOPMed 0.00007; ESP Exome Variant Server 0.00008; ExAC 0.00009.

Submissions (2):

Ambry Genetics
Classification: Uncertain significance. Last evaluated: 2025-01-18. Review status: criteria provided, single submitter. Criteria: Ambry Variant Classification Scheme 2023. Collection method: clinical testing. Allele origin: germline.

CeGaT Center for Human Genetics Tuebingen
Classification: Likely benign. Last evaluated: 2022-07-01. Review status: criteria provided, single submitter. Criteria: CeGaT Center For Human Genetics Tuebingen Variant Classification Criteria Version 2. Collection method: clinical testing. Allele origin: germline. Affected: yes. Observed: 1 variant allele.
Comment: TRPM5: BP4

NM_014555.4(TRPM5):c.3380G>A (p.Gly1127Asp)

Gene: TRPM5 (transient receptor potential cation channel subfamily M member 5; minus strand). Cytogenetic location: 11p15.5.
Variant type: single nucleotide variant.
Coding change: c.3380G>A on transcript NM_014555.4 (MANE Select); coding-DNA position 3380, G replaced by A.
Protein change: p.Gly1127Asp; replaces glycine 1127 with aspartic acid.
Molecular consequence: missense variant.
Genome position (GRCh38, 1-based): chr11:2,405,538, C>T on the plus strand (G>A on the coding strand, the complement: TRPM5 is on the minus strand). VCF-style: chr11-2405538-C-T. GRCh37 (hg19) VCF-style: chr11-2426768-C-T.
Other names: c.3380G>A (NM_014555.3); short protein forms G1127D.
Identifiers: ClinVar variation 2641356 (VCV002641356.25), dbSNP rs373236287, ClinGen allele CA5820581.